The following is an entry in ClinVar:

ClinVar aggregate classification (germline): Uncertain significance (1 of 4 stars; one submission).

Submission:

Labcorp Genetics (formerly Invitae), Labcorp
Classification: Uncertain significance. Last evaluated: 2025-06-09. Review status: criteria provided, single submitter. Criteria: Invitae Variant Classification Sherloc (09022015). Collection method: clinical testing. Allele origin: germline.
Comment: This sequence change replaces serine, which is neutral and polar, with glycine, which is neutral and non-polar, at codon 473 of the PLEKHM2 protein (p.Ser473Gly). The frequency data for this variant in the population databases is considered unreliable, as metrics indicate poor data quality at this position in the gnomAD database. This variant has not been reported in the literature in individuals affected with PLEKHM2-related conditions. ClinVar contains an entry for this variant (Variation ID: 3697554). An algorithm developed to predict the effect of missense changes on protein structure and function outputs the following: PolyPhen-2: "Benign". The glycine amino acid residue is found in multiple mammalian species, which suggests that this missense change does not adversely affect protein function. In summary, the available evidence is currently insufficient to determine the role of this variant in disease. Therefore, it has been classified as a Variant of Uncertain Significance.

NM_015164.4(PLEKHM2):c.1417A>G (p.Ser473Gly)

Gene: PLEKHM2 (pleckstrin homology and RUN domain containing M2; plus strand). Cytogenetic location: 1p36.21.
Variant type: single nucleotide variant.
Coding change: c.1417A>G on transcript NM_015164.4 (MANE Select); coding-DNA position 1417, A replaced by G.
Protein change: p.Ser473Gly; replaces serine 473 with glycine.
Molecular consequence: missense variant.
Genome position (GRCh38, 1-based): chr1:15,727,489, A>G. VCF-style: chr1-15727489-A-G. GRCh37 (hg19) VCF-style: chr1-16053984-A-G.
Other names: c.1357A>G, p.Ser453Gly (NM_001410755.1); short protein forms S453G, S473G.
Identifiers: ClinVar variation 3697554 (VCV003697554.2).
Genomic context (GRCh38, chr1:15,727,489, plus strand): 5'-GACTTTAGTGAGGGGCTTTCAGCCCCAATGGACTTCTACCGCTTTACCGTCGAGAGTCCA[A>G]GCACTGTTACATCAGGTGGCGGCCACCATGACCCTGCAGGGCTTGGCCAACCGCTGCATG-3'
Protein context (NP_055979.2, residues 463-483): DFYRFTVESP[Ser473Gly]TVTSGGGHHD